The following is an entry in ClinVar:

NM_007272.3(CTRC):c.583A>G (p.Arg195Gly)

Gene: CTRC (chymotrypsin C; plus strand). Cytogenetic location: 1p36.21.
Variant type: single nucleotide variant.
Coding change: c.583A>G on transcript NM_007272.3 (MANE Select); coding-DNA position 583, A replaced by G.
Protein change: p.Arg195Gly; replaces arginine 195 with glycine.
Molecular consequence: missense variant.
Genome position (GRCh38, 1-based): chr1:15,444,695, A>G. VCF-style: chr1-15444695-A-G. GRCh37 (hg19) VCF-style: chr1-15771190-A-G.
Other names: short protein forms R195G.
Identifiers: ClinVar variation 1491292 (VCV001491292.8), dbSNP rs1708189840, ClinGen allele CA338567292.

ClinVar aggregate classification (germline): Uncertain significance (1 of 4 stars; one submission).

Conditions:
Hereditary pancreatitis (PCTT). Also called: PRSS1-Related Hereditary Pancreatitis; Hereditary chronic pancreatitis. Identifiers: Orphanet 676, MedGen C0238339, MONDO:0008185, OMIM 167800.

Allele frequency attached by ClinVar (database versions not stated): gnomAD exomes below 0.00001.
gnomAD v4.1: 4 of 1,614,198 alleles (0.00025%); highest among the groups gnomAD compares: Non-Finnish European, 0.00034%; no homozygotes.

Submission:

Labcorp Genetics (formerly Invitae), Labcorp
Classification: Uncertain significance for Hereditary pancreatitis. Last evaluated: 2021-04-09. Review status: criteria provided, single submitter. Criteria: Invitae Variant Classification Sherloc (09022015). Collection method: clinical testing. Allele origin: germline.
Comment: In summary, the available evidence is currently insufficient to determine the role of this variant in disease. Therefore, it has been classified as a Variant of Uncertain Significance. Advanced modeling of protein sequence and biophysical properties (such as structural, functional, and spatial information, amino acid conservation, physicochemical variation, residue mobility, and thermodynamic stability) performed at Invitae indicates that this missense variant is not expected to disrupt CTRC protein function. This variant has not been reported in the literature in individuals with CTRC-related conditions. This variant is not present in population databases (ExAC no frequency). This sequence change replaces arginine with glycine at codon 195 of the CTRC protein (p.Arg195Gly). The arginine residue is weakly conserved and there is a moderate physicochemical difference between arginine and glycine.